The following is an entry in ClinVar:

ClinVar aggregate classification (germline): Uncertain significance. Review status: criteria provided, multiple submitters, no conflicts (2 of 4 stars). 2 submissions from 2 submitters: Uncertain significance (2). Last evaluated 2026-02-24.

Conditions:
Inborn genetic diseases. Identifiers: MedGen C0950123, MeSH D030342.

Allele frequency attached by ClinVar (database versions not stated): ExAC 0.00001; gnomAD 0.00007; TOPMed 0.00007; gnomAD exomes 0.00010.
gnomAD v4.1: 161 of 1,612,264 alleles (0.01%); highest among the groups gnomAD compares: Non-Finnish European, 0.013%; no homozygotes.

Submissions (2):

GeneDx
Classification: Uncertain significance. Last evaluated: 2026-02-24. Review status: criteria provided, single submitter. Criteria: GeneDx Variant Classification Process June 2021. Collection method: clinical testing. Allele origin: germline.
Comment: Not observed at significant frequency in large population cohorts (gnomAD); In silico analysis supports that this missense variant has a deleterious effect on protein structure/function; Has not been previously published as pathogenic or benign to our knowledge

Ambry Genetics
Classification: Uncertain significance for Inborn genetic diseases. Last evaluated: 2024-11-19. Review status: criteria provided, single submitter. Criteria: Ambry Variant Classification Scheme 2023. Collection method: clinical testing. Allele origin: germline.

NM_020442.6(VARS2):c.2701C>T (p.Arg901Trp)

Gene: VARS2 (valyl-tRNA synthetase 2, mitochondrial; plus strand). Cytogenetic location: 6p21.33.
Variant type: single nucleotide variant.
Coding change: c.2701C>T on transcript NM_020442.6 (MANE Select); coding-DNA position 2701, C replaced by T.
Protein change: p.Arg901Trp; replaces arginine 901 with tryptophan.
Molecular consequence: missense variant.
Genome position (GRCh38, 1-based): chr6:30,925,301, C>T. VCF-style: chr6-30925301-C-T. GRCh37 (hg19) VCF-style: chr6-30893078-C-T.
Other names: c.2281C>T, p.Arg761Trp (NM_001167733.3); c.2791C>T, p.Arg931Trp (NM_001167734.2); short protein forms R761W, R901W, R931W.
Identifiers: ClinVar variation 2233734 (VCV002233734.4), dbSNP rs755778663, ClinGen allele CA3706356.